The following is an entry in ClinVar:

NM_001142966.3(GREB1L):c.4097G>A (p.Ser1366Asn)

Gene: GREB1L (GREB1 like retinoic acid receptor coactivator; plus strand). Cytogenetic location: 18q11.2.
Variant type: single nucleotide variant.
Coding change: c.4097G>A on transcript NM_001142966.3 (MANE Select); coding-DNA position 4097, G replaced by A.
Protein change: p.Ser1366Asn; replaces serine 1366 with asparagine.
Molecular consequence: missense variant.
Genome position (GRCh38, 1-based): chr18:21,505,436, G>A. VCF-style: chr18-21505436-G-A. GRCh37 (hg19) VCF-style: chr18-19085397-G-A.
Other names: c.4226G>A, p.Ser1409Asn (NM_001410867.1); c.3770G>A, p.Ser1257Asn (NM_001410868.1); short protein forms S1257N, S1366N, S1409N.
Identifiers: ClinVar variation 4534111 (VCV004534111.9).

ClinVar aggregate classification (germline): Conflicting classifications of pathogenicity. Review status: criteria provided, conflicting classifications (1 of 4 stars). 3 submissions from 3 submitters: Uncertain significance (1); Likely benign (2). Last evaluated 2026-01-08.

Conditions:
Renal hypodysplasia/aplasia 3 (RHDA3). Identifiers: MedGen C4540497, MONDO:0024520, OMIM 617805.

gnomAD v4.1: 48 of 1,551,340 alleles (0.0031%); highest among the groups gnomAD compares: Admixed American, 0.027%; no homozygotes.

Submissions (3):

Dasa
Classification: Uncertain significance for Renal hypodysplasia/aplasia 3. Last evaluated: 2026-01-08. Review status: criteria provided, single submitter. Criteria: DASA Assertion Criteria. Collection method: clinical testing. Allele origin: germline.
Comment: NM_001142966.3(GREB1L):c.4097G>A (p.Ser1366Asn) is a missense variant that results in the substitution of serine with asparagine. This variant is rare in population databases. Computational prediction algorithms are consistent with a benign effect. The currently available literature and clinical evidence are not sufficient to establish a definitive association between this variant and the reported condition. Therefore, this variant is classified as a variant of uncertain significance.

CeGaT Center for Human Genetics Tuebingen
Classification: Likely benign. Last evaluated: 2025-11-01. Review status: criteria provided, single submitter. Criteria: CeGaT Center For Human Genetics Tuebingen Variant Classification Criteria Version 2. Collection method: clinical testing. Allele origin: germline. Affected: yes. Observed: 1 variant allele.
Comment: GREB1L: BP4, BS2

Blueprint Genetics
Classification: Likely benign. Last evaluated: 2024-02-29. Review status: criteria provided, single submitter. Criteria: ACMG Guidelines, 2015. Collection method: clinical testing. Allele origin: germline.